The following is an entry in ClinVar:

NM_001142800.2(EYS):c.872G>A (p.Cys291Tyr)

Gene: EYS (eyes shut homolog; minus strand). Cytogenetic location: 6q12.
Variant type: single nucleotide variant.
Coding change: c.872G>A on transcript NM_001142800.2 (MANE Select); coding-DNA position 872, G replaced by A.
Protein change: p.Cys291Tyr; replaces cysteine 291 with tyrosine.
Molecular consequence: missense variant.
Genome position (GRCh38, 1-based): chr6:65,405,358, C>T on the plus strand (G>A on the coding strand, the complement: EYS is on the minus strand). VCF-style: chr6-65405358-C-T. GRCh37 (hg19) VCF-style: chr6-66115251-C-T.
Other names: c.872G>A, p.Cys291Tyr (NM_001142801.2, NM_001292009.2, NM_198283.2); short protein forms C291Y.
Identifiers: ClinVar variation 2151802 (VCV002151802.1), dbSNP rs749086805, ClinGen allele CA3877934.

ClinVar aggregate classification (germline): Uncertain significance (1 of 4 stars; one submission).

Allele frequency attached by ClinVar (database versions not stated): gnomAD exomes below 0.00001; ExAC 0.00001.
gnomAD v4.1: 5 of 1,595,274 alleles (0.00031%); highest among the groups gnomAD compares: South Asian, 0.0023%; no homozygotes.

Submission:

Labcorp Genetics (formerly Invitae), Labcorp
Classification: Uncertain significance. Last evaluated: 2022-04-24. Review status: criteria provided, single submitter. Criteria: Invitae Variant Classification Sherloc (09022015). Collection method: clinical testing. Allele origin: germline.
Comment: This sequence change replaces cysteine, which is neutral and slightly polar, with tyrosine, which is neutral and polar, at codon 291 of the EYS protein (p.Cys291Tyr). This variant is present in population databases (rs749086805, gnomAD 0.003%). This variant has not been reported in the literature in individuals affected with EYS-related conditions. Algorithms developed to predict the effect of missense changes on protein structure and function output the following: SIFT: "Tolerated"; PolyPhen-2: "Benign"; Align-GVGD: "Class C0". The tyrosine amino acid residue is found in multiple mammalian species, which suggests that this missense change does not adversely affect protein function. In summary, the available evidence is currently insufficient to determine the role of this variant in disease. Therefore, it has been classified as a Variant of Uncertain Significance.